The following is an entry in ClinVar:

ClinVar aggregate classification (germline): Uncertain significance (1 of 4 stars; one submission).

Allele frequency attached by ClinVar (database versions not stated): gnomAD 0.00003 and 0.00004; TOPMed 0.00005; ExAC 0.00011.
gnomAD v4.1: 55 of 1,613,384 alleles (0.0034%); highest among the groups gnomAD compares: Middle Eastern, 0.016%; no homozygotes.

Submission:

Labcorp Genetics (formerly Invitae), Labcorp
Classification: Uncertain significance. Last evaluated: 2025-07-30. Review status: criteria provided, single submitter. Criteria: Invitae Variant Classification Sherloc (09022015). Collection method: clinical testing. Allele origin: germline.
Comment: This sequence change replaces proline, which is neutral and non-polar, with leucine, which is neutral and non-polar, at codon 45 of the CAPN5 protein (p.Pro45Leu). This variant is present in population databases (rs782029119, gnomAD 0.01%). This variant has not been reported in the literature in individuals affected with CAPN5-related conditions. ClinVar contains an entry for this variant (Variation ID: 951695). Invitae Evidence Modeling of protein sequence and biophysical properties (such as structural, functional, and spatial information, amino acid conservation, physicochemical variation, residue mobility, and thermodynamic stability) indicates that this missense variant is not expected to disrupt CAPN5 protein function with a negative predictive value of 80%. In summary, the available evidence is currently insufficient to determine the role of this variant in disease. Therefore, it has been classified as a Variant of Uncertain Significance.

NM_004055.5(CAPN5):c.134C>T (p.Pro45Leu)

Gene: CAPN5 (calpain 5; plus strand). Cytogenetic location: 11q13.5.
Variant type: single nucleotide variant.
Coding change: c.134C>T on transcript NM_004055.5 (MANE Select); coding-DNA position 134, C replaced by T.
Protein change: p.Pro45Leu; replaces proline 45 with leucine.
Molecular consequence: missense variant.
Genome position (GRCh38, 1-based): chr11:77,085,020, C>T. VCF-style: chr11-77085020-C-T. GRCh37 (hg19) VCF-style: chr11-76796066-C-T.
Other names: short protein forms P45L.
Identifiers: ClinVar variation 951695 (VCV000951695.7), dbSNP rs782029119, ClinGen allele CA6196127.
Genomic context (GRCh38, chr11:77,085,020, plus strand): 5'-TGCTCTTCGAGGACCCCCTCTTCCCCGCCACTGACGACTCACTCTACTATAAGGGCACGC[C>T]GGGGCCCGCCGTCAGGTGGAAGCGACCCAAGGTCAGTGTCTGGTCCCAGCTGGAGCTGGG-3'
Protein context (NP_004046.2, residues 35-55): TDDSLYYKGT[Pro45Leu]GPAVRWKRPK